The following is an entry in ClinVar:

ClinVar aggregate classification (germline): Pathogenic/Likely pathogenic. Review status: criteria provided, multiple submitters, no conflicts (2 of 4 stars). 4 submissions from 4 submitters: Pathogenic (3); Likely pathogenic (1). Last evaluated 2025-06-23.

Conditions:
Biotinidase deficiency. Also called: BTD deficiency; Late-onset biotin-responsive multiple carboxylase deficiency; Biotin deficiency. Identifiers: Orphanet 79241, MedGen C0220754, MONDO:0009665, OMIM 253260.

Allele frequency attached by ClinVar (database versions not stated): gnomAD exomes 0.00001.

Submissions (4):

Women's Health and Genetics/Laboratory Corporation of America, LabCorp
Classification: Pathogenic for Biotinidase deficiency. Last evaluated: 2025-06-23. Review status: criteria provided, single submitter. Criteria: LabCorp Variant Classification Summary - May 2015. Collection method: clinical testing. Allele origin: germline.
Comment: Variant summary: BTD c.946C>T (p.Gln316X) results in a premature termination codon, predicted to cause a truncation of the encoded protein or absence of the protein, which are commonly known mechanisms for disease. The variant allele was found at a frequency of 8e-06 in 251186 control chromosomes. c.946C>T has been observed in individual(s) affected with Biotinidase Deficiency (Tangeraas_2020). These data indicate that the variant is likely to be associated with disease. The following publication has been ascertained in the context of this evaluation (PMID: 33123633). ClinVar contains an entry for this variant (Variation ID: 2680355). Based on the evidence outlined above, the variant was classified as pathogenic.

Fulgent Genetics
Classification: Likely pathogenic for Biotinidase deficiency. Last evaluated: 2024-02-07. Review status: criteria provided, single submitter. Criteria: ACMG Guidelines, 2015. Collection method: clinical testing. Allele origin: germline.

Labcorp Genetics (formerly Invitae), Labcorp
Classification: Pathogenic for Biotinidase deficiency. Last evaluated: 2023-10-22. Review status: criteria provided, single submitter. Criteria: Invitae Variant Classification Sherloc (09022015). Collection method: clinical testing. Allele origin: germline.
Comment: This sequence change creates a premature translational stop signal (p.Gln336*) in the BTD gene. It is expected to result in an absent or disrupted protein product. Loss-of-function variants in BTD are known to be pathogenic (PMID: 20083419). This variant is present in population databases (no rsID available, gnomAD 0.006%). This variant has not been reported in the literature in individuals affected with BTD-related conditions. For these reasons, this variant has been classified as Pathogenic.

Baylor Genetics
Classification: Pathogenic for Biotinidase deficiency. Last evaluated: 2023-06-13. Review status: criteria provided, single submitter. Criteria: ACMG Guidelines, 2015. Collection method: clinical testing. Allele origin: unknown.

Literature cited by the submitters: PubMed 33123633 (cited by Women's Health and Genetics/Laboratory Corporation of America, LabCorp); PubMed 20083419 (cited by Labcorp Genetics (formerly Invitae), Labcorp).

NM_001370658.1(BTD):c.946C>T (p.Gln316Ter)

Gene: BTD (biotinidase; plus strand). Cytogenetic location: 3p25.1.
Variant type: single nucleotide variant.
Coding change: c.946C>T on transcript NM_001370658.1 (MANE Select); coding-DNA position 946, C replaced by T.
Protein change: p.Gln316Ter; replaces glutamine 316 with a stop codon.
Molecular consequence: nonsense. On other transcripts: intron variant (6).
Genome position (GRCh38, 1-based): chr3:15,644,862, C>T. VCF-style: chr3-15644862-C-T. GRCh37 (hg19) VCF-style: chr3-15686369-C-T.
Other names: c.1006C>T, p.Gln336Ter (NM_000060.4); c.946C>T, p.Gln316Ter (NM_001281723.4, NM_001281724.3, NM_001281725.3 and 18 more transcripts); c.399+2805C>T (NM_001370753.1, NM_001407400.1, NM_001407380.1 and 3 more transcripts); short protein forms Q316*, Q336*.
Identifiers: ClinVar variation 2680355 (VCV002680355.5), dbSNP rs1303877451, ClinGen allele CA351607733.